The following is an entry in ClinVar:

ClinVar aggregate classification (germline): Uncertain significance (1 of 4 stars; one submission).

gnomAD v4.1: 119 of 1,204,055 alleles (0.0099%); highest among the groups gnomAD compares: Non-Finnish European, 0.013%; no homozygotes.

Submission:

Labcorp Genetics (formerly Invitae), Labcorp
Classification: Uncertain significance. Last evaluated: 2025-07-27. Review status: criteria provided, single submitter. Criteria: Invitae Variant Classification Sherloc (09022015). Collection method: clinical testing. Allele origin: germline.
Comment: This sequence change replaces isoleucine, which is neutral and non-polar, with serine, which is neutral and polar, at codon 242 of the USP9X protein (p.Ile242Ser). The frequency data for this variant in the population databases is considered unreliable, as metrics indicate poor data quality at this position in the gnomAD database. This variant has not been reported in the literature in individuals affected with USP9X-related conditions. An algorithm developed to predict the effect of missense changes on protein structure and function (PolyPhen-2) suggests that this variant is likely to be tolerated. In summary, the available evidence is currently insufficient to determine the role of this variant in disease. Therefore, it has been classified as a Variant of Uncertain Significance.

NM_001039591.3(USP9X):c.725T>G (p.Ile242Ser)

Gene: USP9X (ubiquitin specific peptidase 9 X-linked; plus strand). Cytogenetic location: Xp11.4.
Variant type: single nucleotide variant.
Coding change: c.725T>G on transcript NM_001039591.3 (MANE Select); coding-DNA position 725, T replaced by G.
Protein change: p.Ile242Ser; replaces isoleucine 242 with serine.
Molecular consequence: missense variant.
Genome position (GRCh38, 1-based): chrX:41,140,726, T>G. VCF-style: chrX-41140726-T-G. GRCh37 (hg19) VCF-style: chrX-40999979-T-G.
Other names: c.725T>G, p.Ile242Ser (NM_001039590.3, NM_001410748.1, NM_001410749.1 and 1 more transcripts); short protein forms I242S.
Identifiers: ClinVar variation 4753013 (VCV004753013.1).
Genomic context (GRCh38, chrX:41,140,726, plus strand): 5'-TGGATCTTCTCAACAAATTTGGCACTTTAAATGGGTTCCAGATTTTGCATGATCGTTTTA[T>G]TAATGGATCAGCATTAAACGTTCAAATAATTGCAGCCCTTATTAAGTAAGTTACATTTAA-3'
Protein context (NP_001034680.2, residues 232-252): NGFQILHDRF[Ile242Ser]NGSALNVQII